The following is an entry in ClinVar:

ClinVar aggregate classification (germline): Uncertain significance (1 of 4 stars; one submission).

Conditions:
Hereditary cancer-predisposing syndrome. Also called: Hereditary Cancer Syndrome; Hereditary neoplastic syndrome; Tumor predisposition; Neoplastic Syndromes, Hereditary. Identifiers: Orphanet 140162, MedGen C0027672, MeSH D009386, MONDO:0015356.

Allele frequency attached by ClinVar (database versions not stated): gnomAD exomes below 0.00001; TOPMed below 0.00001.
gnomAD v4.1: 1 of 1,516,744 alleles (0.000066%); highest among the groups gnomAD compares: Admixed American, 0.0017%; no homozygotes.

Submission:

Ambry Genetics
Classification: Uncertain significance for Hereditary cancer-predisposing syndrome. Last evaluated: 2025-10-29. Review status: criteria provided, single submitter. Criteria: Ambry Variant Classification Scheme 2023. Collection method: clinical testing. Allele origin: germline.
Comment: The p.K769Q variant (also known as c.2305A>C), located in coding exon 9 of the BLM gene, results from an A to C substitution at nucleotide position 2305. The lysine at codon 769 is replaced by glutamine, an amino acid with similar properties. This amino acid position is highly conserved in available vertebrate species. In addition, the in silico prediction for this alteration is inconclusive. Since supporting evidence is limited at this time, the clinical significance of this alteration remains unclear.

NM_000057.4(BLM):c.2305A>C (p.Lys769Gln)

Gene: BLM (BLM RecQ like helicase; plus strand). Cytogenetic location: 15q26.1.
Variant type: single nucleotide variant.
Coding change: c.2305A>C on transcript NM_000057.4 (MANE Select); coding-DNA position 2305, A replaced by C.
Protein change: p.Lys769Gln; replaces lysine 769 with glutamine.
Molecular consequence: missense variant.
Genome position (GRCh38, 1-based): chr15:90,767,021, A>C. VCF-style: chr15-90767021-A-C. GRCh37 (hg19) VCF-style: chr15-91310251-A-C.
Other names: c.2305A>C, p.Lys769Gln (NM_001287246.2, NM_001287247.2); c.1180A>C, p.Lys394Gln (NM_001287248.2); short protein forms K769Q, K394Q.
Identifiers: ClinVar variation 1789347 (VCV001789347.3), dbSNP rs1218122851, ClinGen allele CA393845001.
Genomic context (GRCh38, chr15:90,767,021, plus strand): 5'-ATTTACCTCCAGTTATCAAAAAAAGACCCAATCATAAAACTTCTATATGTCACTCCAGAA[A>C]AGGTTTGTATTTATATCATTATTTTAAAATATATTAAAGACCACTAGAATACATATATTT-3'
Protein context (NP_000048.1, residues 759-779): IIKLLYVTPE[Lys769Gln]ICASNRLIST